The following is an entry in ClinVar:

NM_000270.4(PNP):c.397del (p.Arg133fs)

Gene: PNP (purine nucleoside phosphorylase; plus strand). Cytogenetic location: 14q11.2.
Variant type: Deletion.
Coding change: c.397del on transcript NM_000270.4 (MANE Select); coding-DNA position 397, one base deleted (C; older notation c.397delC).
Protein change: p.Arg133fs; shifts the reading frame from arginine 133.
Molecular consequence: frameshift variant.
Genome position (GRCh38, 1-based): chr14:20,474,884, C deleted; the last of 2 consecutive C bases (chr14:20,474,883-20,474,884); deleting either gives the same sequence. VCF-style (leftmost placement, unchanged base first): chr14-20474882-TC-T. GRCh37 (hg19) VCF-style: chr14-20943041-TC-T.
Other names: short protein forms R133fs.
Identifiers: ClinVar variation 4712212 (VCV004712212.1).
Genomic context (GRCh38, chr14:20,474,882, plus strand): 5'-TAGTCACCAATGCAGCAGGAGGGCTGAACCCCAAGTTTGAGGTTGGAGATATCATGCTGA[TC>T]CGTGACCATATCAACCTACCTGGTTTCAGTGGTCAGAACCCTCTCAGAGGGCCCAATGAT-3'

ClinVar aggregate classification (germline): Pathogenic (1 of 4 stars; one submission).

Conditions:
Purine-nucleoside phosphorylase deficiency. Also called: Immunodeficiency due to purine nucleoside phosphorylase deficiency; NUCLEOSIDE PHOSPHORYLASE DEFICIENCY. Identifiers: Orphanet 760, MedGen C0268125, MONDO:0013171, OMIM 613179.

Submission:

Labcorp Genetics (formerly Invitae), Labcorp
Classification: Pathogenic for Purine-nucleoside phosphorylase deficiency. Last evaluated: 2025-03-01. Review status: criteria provided, single submitter. Criteria: Invitae Variant Classification Sherloc (09022015). Collection method: clinical testing. Allele origin: germline.
Comment: This sequence change creates a premature translational stop signal (p.Arg133Valfs*38) in the PNP gene. It is expected to result in an absent or disrupted protein product. Loss-of-function variants in PNP are known to be pathogenic (PMID: 24767876). This variant is not present in population databases (gnomAD no frequency). This variant has not been reported in the literature in individuals affected with PNP-related conditions. For these reasons, this variant has been classified as Pathogenic.

Literature cited by the submitters: PubMed 24767876.